The following is an entry in ClinVar:

ClinVar aggregate classification (germline): Uncertain significance (1 of 4 stars; one submission).

Conditions:
Fragile X syndrome. Also called: MARKER X SYNDROME; MARTIN-BELL SYNDROME; MENTAL RETARDATION, X-LINKED, ASSOCIATED WITH marXq28; X-LINKED MENTAL RETARDATION AND MACROORCHIDISM; Fragile X syndrome, type A; Fragile X Syndrome (FXS). Identifiers: Orphanet 449291, Orphanet 908, MedGen C0016667, MONDO:0010383, OMIM 300624. Disease mechanism: loss of function.

Allele frequency attached by ClinVar (database versions not stated): gnomAD exomes below 0.00001.
gnomAD v4.1: 1 of 1,209,967 alleles (0.000083%); highest among the groups gnomAD compares: Non-Finnish European, 0.00011%; no homozygotes.

Submission:

Center for Human Genetics and Genomic Medicine, Uniklinik Rwth Aachen
Classification: Uncertain significance for Fragile X syndrome. Last evaluated: 2023-06-21. Review status: criteria provided, single submitter. Criteria: ACMG Guidelines, 2015. Collection method: clinical testing. Allele origin: unknown. Inheritance: X-linked inheritance. Affected: yes. Observed: 1 hemizygote.
Comment: The detected change is reported in the general population (gnomAD) with a frequency of 0.0005469% (1/182855) (as of June 21, 2023). The change has not yet been described in the ClinVar database or in the literature. Bioinformatic prediction programs assess the change inconsistently (CADDphred 28.3, PolyPhen2, SIFT: probably disease-causing, MutationTaster: benign). Based on the current state of knowledge, the variant can be classified as a “variant of uncertain clinical significance” (ACMG criteria).

NM_002024.6(FMR1):c.1691G>A (p.Arg564His)

Gene: FMR1 (fragile X messenger ribonucleoprotein 1; plus strand). Cytogenetic location: Xq27.3.
Variant type: single nucleotide variant.
Coding change: c.1691G>A on transcript NM_002024.6 (MANE Select); coding-DNA position 1691, G replaced by A.
Protein change: p.Arg564His; replaces arginine 564 with histidine.
Molecular consequence: missense variant. On other transcripts: non-coding transcript variant (2).
Genome position (GRCh38, 1-based): chrX:147,945,570, G>A. VCF-style: chrX-147945570-G-A. GRCh37 (hg19) VCF-style: chrX-147027090-G-A.
Other names: c.1553G>A, p.Arg518His (NM_001185082.2); c.1420G>A, p.Val474Ile (NM_001185075.2); c.1628G>A, p.Arg543His (NM_001185076.2); c.1357G>A, p.Val453Ile (NM_001185081.2); short protein forms R518H, R543H, R564H, V453I, V474I.
Identifiers: ClinVar variation 2580155 (VCV002580155.2), dbSNP rs1557181801, ClinGen allele CA414448005.